The following is an entry in ClinVar:

ClinVar aggregate classification (germline): Pathogenic/Likely pathogenic. Review status: criteria provided, multiple submitters, no conflicts (2 of 4 stars). 2 submissions from 2 submitters: Pathogenic (1); Likely pathogenic (1). Last evaluated 2024-06-04.

Conditions:
Cardiovascular phenotype. Identifiers: MedGen CN230736.
Marfan syndrome (MFS). Also called: MARFAN SYNDROME, TYPE I; FBN1-Related Marfan Syndrome; Marfan syndrome, classic; Marfan syndrome type 1; Marfan's syndrome. Identifiers: Orphanet 284963, Orphanet 558, MedGen C0024796, MONDO:0007947, OMIM 154700.

Submissions (2):

Laboratory of Medical Genetics, National & Kapodistrian University of Athens
Classification: Likely pathogenic for Marfan syndrome. Last evaluated: 2024-06-04. Review status: criteria provided, single submitter. Criteria: ACMG Guidelines, 2015. Collection method: clinical testing. Allele origin: de novo. Affected: yes.
Comment: PVS1, PM2 - The variant is expected to result in an absent or disrupted protein product. Not observed in large population cohorts (gnomAD).

Ambry Genetics
Classification: Pathogenic for Cardiovascular phenotype. Last evaluated: 2014-11-21. Review status: criteria provided, single submitter. Criteria: Ambry Autosomal Dominant and X-Linked criteria (10/2015). Collection method: clinical testing. Allele origin: germline. Observed: 1 variant allele.

NM_000138.5(FBN1):c.1807C>T (p.Gln603Ter)

Gene: FBN1 (fibrillin 1; minus strand). Cytogenetic location: 15q21.1.
Variant type: single nucleotide variant.
Coding change: c.1807C>T on transcript NM_000138.5 (MANE Select); coding-DNA position 1807, C replaced by T.
Protein change: p.Gln603Ter; replaces glutamine 603 with a stop codon.
Molecular consequence: nonsense.
Genome position (GRCh38, 1-based): chr15:48,508,612, G>A on the plus strand (C>T on the coding strand, the complement: FBN1 is on the minus strand). VCF-style: chr15-48508612-G-A. GRCh37 (hg19) VCF-style: chr15-48800809-G-A.
Other names: short protein forms Q603*.
Identifiers: ClinVar variation 263880 (VCV000263880.4), dbSNP rs886038963, ClinGen allele CA10587860.
Genomic context (GRCh38, chr15:48,508,612, plus strand): 5'-GAACATGATCTAGGGTTTTATAGCACGAACCTTTGCAATAACGTCCATCTGATGCCAGCT[G>A]GAATCCAGGTTTGCAAATACATTTAAAACTGCCATCTTCATTGATACACATTCCATTAAG-3'